The following is an entry in ClinVar:

NM_005121.3(MED13):c.6466C>T (p.Leu2156Phe)

Gene: MED13 (mediator complex subunit 13; minus strand). Cytogenetic location: 17q23.2.
Variant type: single nucleotide variant.
Coding change: c.6466C>T on transcript NM_005121.3 (MANE Select); coding-DNA position 6466, C replaced by T.
Protein change: p.Leu2156Phe; replaces leucine 2156 with phenylalanine.
Molecular consequence: missense variant.
Genome position (GRCh38, 1-based): chr17:61,946,527, G>A on the plus strand (C>T on the coding strand, the complement: MED13 is on the minus strand). VCF-style: chr17-61946527-G-A. GRCh37 (hg19) VCF-style: chr17-60023888-G-A.
Other names: short protein forms L2156F.
Identifiers: ClinVar variation 4530978 (VCV004530978.1).
Genomic context (GRCh38, chr17:61,946,527, plus strand): 5'-ATCACAGCATATTCATAATAAAGTTATATAACTGATTCAGCACCACAAAATGAATTGGGA[G>A]ACATGAGCGTCTGTCCTGGGTTGCAGGGTCACAGGTTAGCCAGGAGAGTGCATTGTACTG-3'
Protein context (NP_005112.2, residues 2146-2166): DPATQDRRSC[Leu2156Phe]PIHFVVLNQL

ClinVar aggregate classification (germline): Uncertain significance (1 of 4 stars; one submission).

Submission:

GeneDx
Classification: Uncertain significance. Last evaluated: 2025-05-23. Review status: criteria provided, single submitter. Criteria: GeneDx Variant Classification Process June 2021. Collection method: clinical testing. Allele origin: germline. Affected: yes.
Comment: Not observed at significant frequency in large population cohorts (gnomAD); In silico analysis supports that this missense variant has a deleterious effect on protein structure/function; Has not been previously published as pathogenic or benign to our knowledge